The following is an entry in ClinVar:

NM_001972.4(ELANE):c.581A>T (p.Gln194Leu)

Gene: ELANE (elastase, neutrophil expressed; plus strand). Cytogenetic location: 19p13.3.
Variant type: single nucleotide variant.
Coding change: c.581A>T on transcript NM_001972.4 (MANE Select); coding-DNA position 581, A replaced by T.
Protein change: p.Gln194Leu; replaces glutamine 194 with leucine.
Molecular consequence: missense variant.
Genome position (GRCh38, 1-based): chr19:855,778, A>T. VCF-style: chr19-855778-A-T. GRCh37 (hg19) VCF-style: chr19-855778-A-T.
Other names: short protein forms Q194L.
Identifiers: ClinVar variation 2044127 (VCV002044127.5), dbSNP rs545418743, ClinGen allele CA402918753.

ClinVar aggregate classification (germline): Uncertain significance. Review status: criteria provided, multiple submitters, no conflicts (2 of 4 stars). 2 submissions from 2 submitters: Uncertain significance (2). Last evaluated 2024-12-22.

Conditions:
Inborn genetic diseases. Identifiers: MedGen C0950123, MeSH D030342.
Neutropenia, severe congenital, 1, autosomal dominant. Identifiers: MedGen C1859966, MONDO:0042490, OMIM 202700.
Cyclical neutropenia. Also called: Cyclic Neutropenia; Cyclic hematopoiesis. Identifiers: Orphanet 2686, MedGen C0221023, MONDO:0008090, OMIM 162800, HP:0040289. Disease mechanism: loss of function.

gnomAD v4.1: 4 of 1,608,804 alleles (0.00025%); highest among the groups gnomAD compares: South Asian, 0.0011%; no homozygotes.

Submissions (2):

Ambry Genetics
Classification: Uncertain significance for Inborn genetic diseases. Last evaluated: 2024-12-22. Review status: criteria provided, single submitter. Criteria: Ambry Variant Classification Scheme 2023. Collection method: clinical testing. Allele origin: germline.
Comment: The p.Q194L variant (also known as c.581A>T), located in coding exon 4 of the ELANE gene, results from an A to T substitution at nucleotide position 581. The glutamine at codon 194 is replaced by leucine, an amino acid with dissimilar properties. This amino acid position is conserved. In addition, the in silico prediction for this alteration is inconclusive. Based on the available evidence, the clinical significance of this variant remains unclear.

Labcorp Genetics (formerly Invitae), Labcorp
Classification: Uncertain significance for Neutropenia, severe congenital, 1, autosomal dominant; Cyclical neutropenia. Last evaluated: 2024-04-29. Review status: criteria provided, single submitter. Criteria: Invitae Variant Classification Sherloc (09022015). Collection method: clinical testing. Allele origin: germline.
Comment: This sequence change replaces glutamine, which is neutral and polar, with leucine, which is neutral and non-polar, at codon 194 of the ELANE protein (p.Gln194Leu). This variant is not present in population databases (gnomAD no frequency). This variant has not been reported in the literature in individuals affected with ELANE-related conditions. ClinVar contains an entry for this variant (Variation ID: 2044127). Advanced modeling of protein sequence and biophysical properties (such as structural, functional, and spatial information, amino acid conservation, physicochemical variation, residue mobility, and thermodynamic stability) performed at Invitae indicates that this missense variant is not expected to disrupt ELANE protein function with a negative predictive value of 80%. In summary, the available evidence is currently insufficient to determine the role of this variant in disease. Therefore, it has been classified as a Variant of Uncertain Significance.